The following is an entry in ClinVar:

NM_001039660.2(IL18BP):c.29-18T>C

Gene: IL18BP (interleukin 18 binding protein; plus strand). Cytogenetic location: 11q13.4.
Variant type: single nucleotide variant.
Coding change: c.29-18T>C on transcript NM_001039660.2 (MANE Select); 18 bases into the intron before coding-DNA position 29, T replaced by C.
Molecular consequence: intron variant.
Genome position (GRCh38, 1-based): chr11:72,000,333, T>C. VCF-style: chr11-72000333-T-C. GRCh37 (hg19) VCF-style: chr11-71711379-T-C.
Other names: c.29-18T>C (NM_001145057.1, NM_001145055.1, NM_001039659.2 and 3 more transcripts).
Identifiers: ClinVar variation 2808685 (VCV002808685.3), dbSNP rs2495826177, ClinGen allele CA2739270636.

ClinVar aggregate classification (germline): Uncertain significance (1 of 4 stars; one submission).

Submission:

Labcorp Genetics (formerly Invitae), Labcorp
Classification: Uncertain significance. Last evaluated: 2022-10-16. Review status: criteria provided, single submitter. Criteria: Invitae Variant Classification Sherloc (09022015). Collection method: clinical testing. Allele origin: germline.
Comment: In summary, the available evidence is currently insufficient to determine the role of this variant in disease. Therefore, it has been classified as a Variant of Uncertain Significance. This variant has not been reported in the literature in individuals affected with IL18BP-related conditions. This variant is not present in population databases (gnomAD no frequency). This sequence change falls in intron 1 of the IL18BP gene. It does not directly change the encoded amino acid sequence of the IL18BP protein.